The following is an entry in ClinVar:

NM_201384.3(PLEC):c.12885C>T (p.Thr4295=)

Gene: PLEC (plectin; minus strand). Cytogenetic location: 8q24.3.
Variant type: single nucleotide variant.
Coding change: c.12885C>T on transcript NM_201384.3 (MANE Select); coding-DNA position 12885, C replaced by T.
Protein change: p.Thr4295=; no amino-acid change (threonine 4295 retained).
Molecular consequence: synonymous variant.
Genome position (GRCh38, 1-based): chr8:143,916,936, G>A on the plus strand (C>T on the coding strand, the complement: PLEC is on the minus strand). VCF-style: chr8-143916936-G-A. GRCh37 (hg19) VCF-style: chr8-144991104-G-A.
Other names: c.12966C>T, p.Thr4322= (NM_000445.5); c.12843C>T, p.Thr4281= (NM_201378.4); c.12819C>T, p.Thr4273= (NM_201379.3); c.13296C>T, p.Thr4432= (NM_201380.4); c.12789C>T, p.Thr4263= (NM_201381.3); c.12885C>T, p.Thr4295= (NM_201382.4); c.12897C>T, p.Thr4299= (NM_201383.3).
Identifiers: ClinVar variation 539018 (VCV000539018.15), dbSNP rs782708582, ClinGen allele CA4923957.

ClinVar aggregate classification (germline): Likely benign. Review status: criteria provided, multiple submitters, no conflicts (2 of 4 stars). 3 submissions from 3 submitters: Likely benign (2). 1 of the submissions does not count toward it. Last evaluated 2025-11-27.

Conditions:
PLEC-related disorder. Also called: PLEC-related condition; PLEC-related disorders.
Epidermolysis bullosa simplex 5B, with muscular dystrophy (EBS5B). Also called: Epidermolysis bullosa simplex with muscular dystrophy; EPIDERMOLYSIS BULLOSA SIMPLEX AND LIMB-GIRDLE MUSCULAR DYSTROPHY. Identifiers: Orphanet 257, MedGen C2931072, MONDO:0009181, OMIM 226670.
Autosomal recessive limb-girdle muscular dystrophy type 2Q (LGMDR17). Also called: MUSCULAR DYSTROPHY, LIMB-GIRDLE, AUTOSOMAL RECESSIVE 17. Identifiers: Orphanet 254361, MedGen C3150989, MONDO:0013390, OMIM 613723.
Epidermolysis bullosa simplex, Ogna type (EBS5A). Also called: Pidermolysis bullosa simplex 5A, Ogna type; EPIDERMOLYSIS BULLOSA SIMPLEX 5A, OGNA TYPE. Identifiers: Orphanet 79401, MedGen C0432317, MONDO:0007555, OMIM 131950.
Epidermolysis bullosa simplex 5C, with pyloric atresia (EBS5C). Also called: PLEC-Related Epidermolysis Bullosa with Pyloric Atresia; Epidermolysis bullosa simplex with pyloric atresia; PLEC1-Related Epidermolysis Bullosa with Pyloric Atresia. Identifiers: Orphanet 158684, MedGen C2677349, MONDO:0012807, OMIM 612138.
Epidermolysis bullosa simplex with nail dystrophy (EBS5D). Identifiers: MedGen C4225309, MONDO:0014661, OMIM 616487.

Allele frequency attached by ClinVar (database versions not stated): gnomAD 0.00004 and 0.00005; TOPMed 0.00005; gnomAD exomes 0.00006 and 0.00008; ExAC 0.00007.
gnomAD v4.1: 95 of 1,612,786 alleles (0.0059%); highest among the groups gnomAD compares: South Asian, 0.036%; no homozygotes.

Submissions (3):

Labcorp Genetics (formerly Invitae), Labcorp
Classification: Likely benign for Autosomal recessive limb-girdle muscular dystrophy type 2Q; Epidermolysis bullosa simplex, Ogna type; Epidermolysis bullosa simplex with nail dystrophy; Epidermolysis bullosa simplex 5C, with pyloric atresia; Epidermolysis bullosa simplex 5B, with muscular dystrophy. Last evaluated: 2025-11-27. Review status: criteria provided, single submitter. Criteria: Invitae Variant Classification Sherloc (09022015). Collection method: clinical testing. Allele origin: germline.

Blueprint Genetics
Classification: Likely benign. Last evaluated: 2023-11-22. Review status: criteria provided, single submitter. Criteria: ACMG Guidelines, 2015. Collection method: clinical testing. Allele origin: germline.

PreventionGenetics, part of Exact Sciences
Classification: Likely benign for PLEC-related condition. Last evaluated: 2019-09-06. Review status: no assertion criteria provided. Collection method: clinical testing. Allele origin: germline. Not counted in ClinVar's aggregate classification.
Comment: This variant is classified as likely benign based on ACMG/AMP sequence variant interpretation guidelines (Richards et al. 2015 PMID: 25741868, with internal and published modifications).